The following is an entry in ClinVar:

NM_021224.6(ZNF462):c.4714_4715dup (p.Gln1572fs)

Gene: ZNF462 (zinc finger protein 462; plus strand). Cytogenetic location: 9q31.2.
Variant type: Duplication.
Coding change: c.4714_4715dup on transcript NM_021224.6 (MANE Select); coding-DNA positions 4714 to 4715, 2 bases duplicated (CA; older notation c.4714_4715dupCA).
Protein change: p.Gln1572fs; shifts the reading frame from glutamine 1572.
Molecular consequence: frameshift variant. On other transcripts: intron variant (1).
Genome position (GRCh38, 1-based): chr9:106,928,626-106,928,627, CA duplicated. VCF-style (leftmost placement, unchanged base first): chr9-106928625-G-GCA. GRCh37 (hg19) VCF-style: chr9-109690906-G-GCA.
Other names: c.4714_4715dup (NM_021224.5); c.3252+1462_3252+1463dup (NM_001347997.2); short protein forms Q1572fs.
Identifiers: ClinVar variation 3777196 (VCV003777196.1).

ClinVar aggregate classification (germline): Likely pathogenic (1 of 4 stars; one submission).

Conditions:
Weiss-Kruszka syndrome. Also called: Metopic ridging-ptosis-facial dysmorphism syndrome. Identifiers: Orphanet 502430, MedGen C5568107, MONDO:0032836, OMIM 618619.

Submission:

University of Washington Department of Laboratory Medicine, University of Washington
Classification: Likely pathogenic for Weiss-Kruszka syndrome. Last evaluated: 2023-01-03. Review status: criteria provided, single submitter. Criteria: ACMG Guidelines, 2015. Collection method: clinical testing. Allele origin: de novo. Affected: yes.
Comment: This variant was absent from large population databases, including the Genome Aggregation Database. The p.Gln1572Hisfs*22 variant results in a 2bp insertion in exon 3 of 13 exons, which causes a shift in the protein reading frame, leading to a premature termination codon 22 amino acids downstream. Nonsense-mediated decay resulting in absent protein is predicted with this variant. These predictions have not been tested directly. Heterozygous loss of function leading to haploinsufficiency of the ZNF462 gene is an established mechanism of disease. Using ACMG guidelines, this variant was classified as likely pathogenic for autosomal dominant ZNF462-related neurodevelopmental disorder (ACMG evidence codes used: PVS1, PM2_supporting).